The following is an entry in ClinVar:

ClinVar aggregate classification (germline): Uncertain significance. Review status: criteria provided, multiple submitters, no conflicts (2 of 4 stars). 2 submissions from 2 submitters: Uncertain significance (2). Last evaluated 2023-10-14.

Conditions:
Familial cancer of breast. Also called: Hereditary breast cancer; hereditary breast carcinoma; BREAST CANCER, FAMILIAL. Identifiers: Orphanet 227535, MedGen C0346153, MONDO:0016419, OMIM 114480. Disease mechanism: loss of function.
Ataxia-telangiectasia syndrome (AT). Also called: Ataxia telangiectasia (A-T); ATAXIA-TELANGIECTASIA, COMPLEMENTATION GROUP A; ATAXIA-TELANGIECTASIA, FRESNO VARIANT; Ataxia-telangiectasia; Ataxia-telangiectasia, complementation group E; LOUIS-BAR SYNDROME. Identifiers: Orphanet 100, MedGen C0004135, MONDO:0008840, OMIM 208900.

Allele frequency attached by ClinVar (database versions not stated): TOPMed 0.00001.

Submissions (2):

Baylor Genetics
Classification: Uncertain significance for Familial cancer of breast. Last evaluated: 2023-10-14. Review status: criteria provided, single submitter. Criteria: ACMG Guidelines, 2015. Collection method: clinical testing. Allele origin: unknown.

Labcorp Genetics (formerly Invitae), Labcorp
Classification: Uncertain significance for Ataxia-telangiectasia syndrome. Last evaluated: 2020-03-06. Review status: criteria provided, single submitter. Criteria: Invitae Variant Classification Sherloc (09022015). Collection method: clinical testing. Allele origin: germline.
Comment: In summary, the available evidence is currently insufficient to determine the role of this variant in disease. Therefore, it has been classified as a Variant of Uncertain Significance. Algorithms developed to predict the effect of missense changes on protein structure and function are either unavailable or do not agree on the potential impact of this missense change (SIFT: "Tolerated"; PolyPhen-2: "Probably Damaging"; Align-GVGD: "Class C0"). This variant has not been reported in the literature in individuals with ATM-related conditions. This variant is not present in population databases (ExAC no frequency). This sequence change replaces aspartic acid with asparagine at codon 2216 of the ATM protein (p.Asp2216Asn). The aspartic acid residue is highly conserved and there is a small physicochemical difference between aspartic acid and asparagine.

NM_000051.4(ATM):c.6646G>A (p.Asp2216Asn)

Genes: ATM (ATM serine/threonine kinase; plus strand), C11orf65 (chromosome 11 open reading frame 65; minus strand). Cytogenetic location: 11q22.3.
Variant type: single nucleotide variant.
Coding change: c.6646G>A on transcript NM_000051.4 (MANE Select); coding-DNA position 6646, G replaced by A.
Protein change: p.Asp2216Asn; replaces aspartic acid 2216 with asparagine.
Molecular consequence: missense variant. On other transcripts: intron variant (2).
Genome position (GRCh38, 1-based): chr11:108,325,383, G>A. VCF-style: chr11-108325383-G-A. GRCh37 (hg19) VCF-style: chr11-108196110-G-A.
Other names: c.6646G>A, p.Asp2216Asn (NM_001351834.2); c.641-16312C>T (NM_001330368.2); c.*38+9837C>T (NM_001351110.2); short protein forms D2216N.
Identifiers: ClinVar variation 1058208 (VCV001058208.10), dbSNP rs1482691031, ClinGen allele CA382554807.